The following is an entry in ClinVar:

ClinVar aggregate classification (germline): Benign/Likely benign. Review status: criteria provided, multiple submitters, no conflicts (2 of 4 stars). 4 submissions from 4 submitters: Benign (2); Likely benign (2). Last evaluated 2025-10-24.

Submissions (4):

Labcorp Genetics (formerly Invitae), Labcorp
Classification: Benign. Last evaluated: 2025-10-24. Review status: criteria provided, single submitter. Criteria: Invitae Variant Classification Sherloc (09022015). Collection method: clinical testing. Allele origin: germline.

Mayo Clinic Laboratories, Mayo Clinic
Classification: Benign. Last evaluated: 2025-03-25. Review status: criteria provided, single submitter. Criteria: ACMG Guidelines, 2015. Collection method: clinical testing. Allele origin: germline. Observed: 1 variant allele.
Comment: BS1, BS2

Blueprint Genetics
Classification: Likely benign. Last evaluated: 2024-02-16. Review status: criteria provided, single submitter. Criteria: ACMG Guidelines, 2015. Collection method: clinical testing. Allele origin: germline.

CeGaT Center for Human Genetics Tuebingen
Classification: Likely benign. Last evaluated: 2023-11-01. Review status: criteria provided, single submitter. Criteria: CeGaT Center For Human Genetics Tuebingen Variant Classification Criteria Version 2. Collection method: clinical testing. Allele origin: germline. Affected: yes. Observed: 1 variant allele.
Comment: NKX6-2: PM4:Supporting, BS2

NM_177400.3(NKX6-2):c.439AAG[2] (p.Lys149del)

Gene: NKX6-2 (NK6 homeobox 2; minus strand). Cytogenetic location: 10q26.3.
Variant type: Microsatellite.
Coding change: c.439AAG[2] on transcript NM_177400.3 (MANE Select); two copies in a row of the 3-base unit AAG starting at c.439; the reference has three copies in a row; one copy, 3 bases deleted; also written c.445_447del.
Protein change: p.Lys149del; deletes lysine 149.
Molecular consequence: inframe deletion.
Genome position (GRCh38, 1-based): chr10:132,785,412-132,785,414, CTT deleted on the plus strand (AAG on the coding strand, the reverse complement: NKX6-2 is on the minus strand); deleting any 3 consecutive bases within chr10:132,785,412-132,785,421 gives the same sequence; the position shown is the placement nearest the transcript's 3' end. VCF-style (leftmost placement, unchanged base first): chr10-132785411-GCTT-G. GRCh37 (hg19) VCF-style: chr10-134598915-GCTT-G.
Other names: p.Lys149del; c.445_447del (NM_177400.3); short protein forms K149del.
Identifiers: ClinVar variation 1598776 (VCV001598776.33), dbSNP rs371783510, ClinGen allele CA5756103.